The following is an entry in ClinVar:

ClinVar aggregate classification (germline): Likely benign (1 of 4 stars; one submission).

Conditions:
Hereditary pheochromocytoma and paraganglioma. Also called: Hereditary pheochromocytoma-paraganglioma; Hereditary Paraganglioma-Pheochromocytoma Syndromes; Hereditary paragangliomas and pheochromocytomas. Identifiers: Orphanet 29072, MedGen C4274332, MONDO:0017366.

Allele frequency attached by ClinVar (database versions not stated): gnomAD exomes below 0.00001.
gnomAD v4.1: 2 of 1,614,044 alleles (0.00012%); highest among the groups gnomAD compares: Non-Finnish European, 0.00017%; no homozygotes.

Submission:

All of Us Research Program, National Institutes of Health
Classification: Likely benign for Hereditary pheochromocytoma and paraganglioma. Last evaluated: 2023-05-16. Review status: criteria provided, single submitter. Criteria: ACMG Guidelines, 2015. Collection method: clinical testing. Allele origin: germline. Inheritance: Autosomal dominant inheritance. Observed: 1 variant allele, 1 heterozygote.
Comment: This study involves interpretation of variants in research participants for the purpose of population health screening. Participant phenotype was not available at the time of variant classification. Additional details can be found in publication PMID: 35346344, PMCID: PMC8962531

NM_017841.4(SDHAF2):c.267T>C (p.Phe89=)

Gene: SDHAF2 (succinate dehydrogenase complex assembly factor 2; plus strand). Cytogenetic location: 11q12.2.
Variant type: single nucleotide variant.
Coding change: c.267T>C on transcript NM_017841.4 (MANE Select); coding-DNA position 267, T replaced by C.
Protein change: p.Phe89=; no amino-acid change (phenylalanine 89 retained).
Molecular consequence: synonymous variant.
Genome position (GRCh38, 1-based): chr11:61,438,010, T>C. VCF-style: chr11-61438010-T-C. GRCh37 (hg19) VCF-style: chr11-61205482-T-C.
Identifiers: ClinVar variation 3071152 (VCV003071152.1), dbSNP rs2540124797, ClinGen allele CA474802826.